The following is an entry in ClinVar:

ClinVar aggregate classification (germline): Uncertain significance (1 of 4 stars; one submission).

Allele frequency attached by ClinVar (database versions not stated): gnomAD exomes below 0.00001; gnomAD 0.00001; TOPMed 0.00001.
gnomAD v4.1: 8 of 1,613,160 alleles (0.0005%); highest among the groups gnomAD compares: Non-Finnish European, 0.00059%; no homozygotes.

Submission:

GeneDx
Classification: Uncertain significance. Last evaluated: 2021-01-12. Review status: criteria provided, single submitter. Criteria: GeneDx Variant Classification Process June 2021. Collection method: clinical testing. Allele origin: germline. Affected: yes.
Comment: In silico analysis supports that this missense variant has a deleterious effect on protein structure/function; Has not been previously published as pathogenic or benign to our knowledge; In-silico analysis, which includes splice predictors and evolutionary conservation, is inconclusive as to whether the variant alters gene splicing. In the absence of RNA/functional studies, the actual effect of this sequence change is unknown.

NM_000180.4(GUCY2D):c.755G>C (p.Gly252Ala)

Gene: GUCY2D (guanylate cyclase 2D, retinal; plus strand). Cytogenetic location: 17p13.1.
Variant type: single nucleotide variant.
Coding change: c.755G>C on transcript NM_000180.4 (MANE Select); coding-DNA position 755, G replaced by C.
Protein change: p.Gly252Ala; replaces glycine 252 with alanine.
Molecular consequence: missense variant.
Genome position (GRCh38, 1-based): chr17:8,003,885, G>C. VCF-style: chr17-8003885-G-C. GRCh37 (hg19) VCF-style: chr17-7907203-G-C.
Other names: short protein forms G252A.
Identifiers: ClinVar variation 1313894 (VCV001313894.2), dbSNP rs1415396885, ClinGen allele CA397945090.